The following is an entry in ClinVar:

ClinVar aggregate classification (germline): Uncertain significance (1 of 4 stars; one submission).

Conditions:
DICER1-related tumor predisposition. Also called: DICER1-related pleuropulmonary blastoma cancer predisposition syndrome; DICER1 syndrome. Identifiers: Orphanet 284343, MedGen C3839822, MONDO:0100216.

Submission:

Labcorp Genetics (formerly Invitae), Labcorp
Classification: Uncertain significance for DICER1-related tumor predisposition. Last evaluated: 2025-08-06. Review status: criteria provided, single submitter. Criteria: Invitae Variant Classification Sherloc (09022015). Collection method: clinical testing. Allele origin: germline.
Comment: This sequence change replaces aspartic acid, which is acidic and polar, with glycine, which is neutral and non-polar, at codon 1395 of the DICER1 protein (p.Asp1395Gly). This variant is not present in population databases (gnomAD no frequency). This variant has not been reported in the literature in individuals affected with DICER1-related conditions. Invitae Evidence Modeling of protein sequence and biophysical properties (such as structural, functional, and spatial information, amino acid conservation, physicochemical variation, residue mobility, and thermodynamic stability) indicates that this missense variant is not expected to disrupt DICER1 protein function with a negative predictive value of 95%. Algorithms developed to predict the effect of sequence changes on RNA splicing suggest that this variant may disrupt the consensus splice site. In summary, the available evidence is currently insufficient to determine the role of this variant in disease. Therefore, it has been classified as a Variant of Uncertain Significance.

NM_177438.3(DICER1):c.4184A>G (p.Asp1395Gly)

Gene: DICER1 (dicer 1, ribonuclease III; minus strand). Cytogenetic location: 14q32.13.
Variant type: single nucleotide variant.
Coding change: c.4184A>G on transcript NM_177438.3 (MANE Select); coding-DNA position 4184, A replaced by G.
Protein change: p.Asp1395Gly; replaces aspartic acid 1395 with glycine.
Molecular consequence: missense variant. On other transcripts: non-coding transcript variant (6).
Genome position (GRCh38, 1-based): chr14:95,099,802, T>C on the plus strand (A>G on the coding strand, the complement: DICER1 is on the minus strand). VCF-style: chr14-95099802-T-C. GRCh37 (hg19) VCF-style: chr14-95566139-T-C.
Other names: c.4184A>G, p.Asp1395Gly (NM_001195573.1, NM_001271282.3, NM_001291628.2 and 12 more transcripts); c.3902A>G, p.Asp1301Gly (NM_001395686.1); c.3779A>G, p.Asp1260Gly (NM_001395687.1, NM_001395688.1, NM_001395689.1 and 2 more transcripts); c.3617A>G, p.Asp1206Gly (NM_001395691.1); c.2501A>G, p.Asp834Gly (NM_001395697.1); short protein forms D1301G, D1395G, D1206G, D1260G, D834G.
Identifiers: ClinVar variation 4746760 (VCV004746760.1).